The following is an entry in ClinVar:

ClinVar aggregate classification (germline): Uncertain significance (1 of 4 stars; one submission).

Conditions:
Melnick-Needles syndrome (MNS). Also called: MELNICK-NEEDLES OSTEODYSPLASTY; OSTEODYSPLASTY OF MELNICK AND NEEDLES; Melnick-Needles Syndrome (FLNA-MNS). Identifiers: Orphanet 2484, MedGen C0025237, MONDO:0010650, OMIM 309350.
Heterotopia, periventricular, X-linked dominant (PVNH1). Also called: PERIVENTRICULAR NODULAR HETEROTOPIA 1; X-linked periventricular heterotopia; PERIVENTRICULAR NODULAR HETEROTOPIA 4; HETEROTOPIA, PERIVENTRICULAR, 1. Identifiers: Orphanet 2149, Orphanet 82004, MedGen C1848213, MONDO:0010233, OMIM 300049.
Frontometaphyseal dysplasia (FMD1). Identifiers: Orphanet 1826, MedGen C0265293, MONDO:0015942.
Oto-palato-digital syndrome, type II (OPD2). Also called: FACIOPALATOOSSEOUS SYNDROME; OPD II SYNDROME; Otopalatodigital Syndrome, Type II; Otopalatodigital Syndrome Type 2 (FLNA-OPD2). Identifiers: Orphanet 669, Orphanet 90652, MedGen C1844696, MONDO:0010571, OMIM 304120.

Submission:

Labcorp Genetics (formerly Invitae), Labcorp
Classification: Uncertain significance for Oto-palato-digital syndrome, type II; Heterotopia, periventricular, X-linked dominant; Frontometaphyseal dysplasia; Melnick-Needles syndrome. Last evaluated: 2024-01-03. Review status: criteria provided, single submitter. Criteria: Invitae Variant Classification Sherloc (09022015). Collection method: clinical testing. Allele origin: unknown.
Comment: A copy number gain of the genomic region encompassing the full coding sequence of the FLNA gene has been identified. The boundaries of this event are unknown as they extend beyond the assayed region for this gene and therefore may encompass additional genes. As the precise location of this event is unknown, it may be in tandem or it may be located elsewhere in the genome. Isolated whole-gene copy number gains of FLNA have not been reported in the literature. However, larger copy number events that include this gene have been reported (PMID: 17546640, 24098143, 25817843). In summary, the available evidence is currently insufficient to determine the role of this variant in disease. Therefore, it has been classified as a Variant of Uncertain Significance.

Literature cited by the submitters: PubMed 17546640; PubMed 24098143; PubMed 25817843.

NC_000023.10:g.(?_153577217)_(153649343_?)dup

Genes: DNASE1L1 (deoxyribonuclease 1 like 1; minus strand), EMD (emerin; plus strand), FLNA (filamin A; minus strand), RPL10 (ribosomal protein L10; plus strand), TAFAZZIN (tafazzin, phospholipid-lysophospholipid transacylase; plus strand). Cytogenetic location: Xq28.
Variant type: Duplication.
Identifiers: ClinVar variation 3244398 (VCV003244398.1).